The following is an entry in ClinVar:

NM_001184880.2(PCDH19):c.154G>C (p.Ala52Pro)

Gene: PCDH19 (protocadherin 19; minus strand). Cytogenetic location: Xq22.1.
Variant type: single nucleotide variant.
Coding change: c.154G>C on transcript NM_001184880.2 (MANE Select); coding-DNA position 154, G replaced by C.
Protein change: p.Ala52Pro; replaces alanine 52 with proline.
Molecular consequence: missense variant.
Genome position (GRCh38, 1-based): chrX:100,408,444, C>G on the plus strand (G>C on the coding strand, the complement: PCDH19 is on the minus strand). VCF-style: chrX-100408444-C-G. GRCh37 (hg19) VCF-style: chrX-99663442-C-G.
Other names: c.154G>C, p.Ala52Pro (NM_001105243.2, NM_020766.3); short protein forms A52P.
Identifiers: ClinVar variation 2579596 (VCV002579596.4), dbSNP rs1928476742, ClinGen allele CA414011261.

ClinVar aggregate classification (germline): Uncertain significance. Review status: criteria provided, multiple submitters, no conflicts (2 of 4 stars). 2 submissions from 2 submitters: Uncertain significance (2). Last evaluated 2023-03-07.

Conditions:
Developmental and epileptic encephalopathy, 9 (DEE9). Also called: JUBERG-HELLMAN SYNDROME; PCDH19-Related X-Linked Female-Limited Epilepsy with Mental Retardation; Early infantile epileptic encephalopathy 9; EPILEPSY, FEMALE-RESTRICTED, WITH MENTAL RETARDATION. Identifiers: Orphanet 101039, Orphanet 2076, MedGen C1848137, MONDO:0010246, OMIM 300088. Disease mechanism: loss of function.

Allele frequency attached by ClinVar (database versions not stated): TOPMed below 0.00001.
gnomAD v4.1: 11 of 1,202,408 alleles (0.00091%); highest among the groups gnomAD compares: Non-Finnish European, 0.0012%; no homozygotes.

Submissions (2):

GeneDx
Classification: Uncertain significance. Last evaluated: 2023-03-07. Review status: criteria provided, single submitter. Criteria: GeneDx Variant Classification Process June 2021. Collection method: clinical testing. Allele origin: germline. Affected: yes.
Comment: Not observed at significant frequency in large population cohorts (gnomAD); Missense variants in this gene are often considered pathogenic (HGMD); In silico analysis supports that this missense variant does not alter protein structure/function; Has not been previously published as pathogenic or benign to our knowledge

Labcorp Genetics (formerly Invitae), Labcorp
Classification: Uncertain significance for Developmental and epileptic encephalopathy, 9. Last evaluated: 2022-12-18. Review status: criteria provided, single submitter. Criteria: Invitae Variant Classification Sherloc (09022015). Collection method: clinical testing. Allele origin: germline.
Comment: This sequence change replaces alanine, which is neutral and non-polar, with proline, which is neutral and non-polar, at codon 52 of the PCDH19 protein (p.Ala52Pro). This variant is not present in population databases (gnomAD no frequency). This variant has not been reported in the literature in individuals affected with PCDH19-related conditions. Advanced modeling of protein sequence and biophysical properties (such as structural, functional, and spatial information, amino acid conservation, physicochemical variation, residue mobility, and thermodynamic stability) performed at Invitae indicates that this missense variant is not expected to disrupt PCDH19 protein function. In summary, the available evidence is currently insufficient to determine the role of this variant in disease. Therefore, it has been classified as a Variant of Uncertain Significance.